The following is an entry in ClinVar:

ClinVar aggregate classification (germline): Uncertain significance (1 of 4 stars; one submission).

Conditions:
Neuropathy, hereditary sensory and autonomic, type 2A (HSAN2A). Also called: MORVAN DISEASE; NEUROPATHY, CONGENITAL SENSORY; NEUROPATHY, HEREDITARY SENSORY RADICULAR, AUTOSOMAL RECESSIVE; NEUROPATHY, HEREDITARY SENSORY, TYPE IIA; NEUROPATHY, PROGRESSIVE SENSORY, OF CHILDREN; ACROOSTEOLYSIS, GIACCAI TYPE. Identifiers: Orphanet 970, MedGen C2752089, MONDO:0024309, OMIM 201300.
Pseudohypoaldosteronism type 2C (PHA2C). Also called: Pseudohypoaldosteronism Type IIC. Identifiers: Orphanet 757, Orphanet 88940, MedGen C1840391, MONDO:0013778, OMIM 614492.

Submission:

Labcorp Genetics (formerly Invitae), Labcorp
Classification: Uncertain significance for Neuropathy, hereditary sensory and autonomic, type 2A; Pseudohypoaldosteronism type 2C. Last evaluated: 2022-10-26. Review status: criteria provided, single submitter. Criteria: Invitae Variant Classification Sherloc (09022015). Collection method: clinical testing. Allele origin: germline.
Comment: Advanced modeling of protein sequence and biophysical properties (such as structural, functional, and spatial information, amino acid conservation, physicochemical variation, residue mobility, and thermodynamic stability) performed at Invitae indicates that this missense variant is not expected to disrupt WNK1 protein function. In summary, the available evidence is currently insufficient to determine the role of this variant in disease. Therefore, it has been classified as a Variant of Uncertain Significance. This variant has not been reported in the literature in individuals affected with WNK1-related conditions. This sequence change replaces serine, which is neutral and polar, with cysteine, which is neutral and slightly polar, at codon 1777 of the WNK1 protein (p.Ser1777Cys). This variant is not present in population databases (gnomAD no frequency).

NM_018979.4(WNK1):c.4573A>T (p.Ser1525Cys)

Gene: WNK1 (WNK lysine deficient protein kinase 1; plus strand). Cytogenetic location: 12p13.33.
Variant type: single nucleotide variant.
Coding change: c.4573A>T on transcript NM_018979.4 (MANE Select); coding-DNA position 4573, A replaced by T.
Protein change: p.Ser1525Cys; replaces serine 1525 with cysteine.
Molecular consequence: missense variant.
Genome position (GRCh38, 1-based): chr12:885,377, A>T. VCF-style: chr12-885377-A-T. GRCh37 (hg19) VCF-style: chr12-994543-A-T.
Other names: c.5353A>T, p.Ser1785Cys (NM_001184985.2); c.3832A>T, p.Ser1278Cys (NM_014823.3); c.5329A>T, p.Ser1777Cys (NM_213655.5); short protein forms S1278C, S1525C, S1777C, S1785C.
Identifiers: ClinVar variation 1722197 (VCV001722197.5), dbSNP rs2549047211, ClinGen allele CA383331498.